The following is an entry in ClinVar:

ClinVar aggregate classification (germline): Likely benign. Review status: criteria provided, multiple submitters, no conflicts (2 of 4 stars). 3 submissions from 3 submitters: Likely benign (3). Last evaluated 2026-03-25.

Conditions:
MAK-related disorder. Also called: MAK-related condition.

Submissions (3):

PreventionGenetics, part of Exact Sciences
Classification: Likely benign for MAK-related condition. Last evaluated: 2026-03-25. Review status: criteria provided, single submitter. Criteria: ACMG Guidelines, 2015. Collection method: clinical testing. Allele origin: germline.
Comment: This variant is classified as likely benign based on ACMG/AMP sequence variant interpretation guidelines (Richards et al. 2015 PMID: 25741868, with internal and published modifications).

Labcorp Genetics (formerly Invitae), Labcorp
Classification: Likely benign. Last evaluated: 2026-01-30. Review status: criteria provided, single submitter. Criteria: Invitae Variant Classification Sherloc (09022015). Collection method: clinical testing. Allele origin: germline.

Blueprint Genetics
Classification: Likely benign. Last evaluated: 2024-10-04. Review status: criteria provided, single submitter. Criteria: ACMG Guidelines, 2015. Collection method: clinical testing. Allele origin: germline.

NM_001242957.3(MAK):c.359-5_359-3del

Gene: MAK (male germ cell associated kinase; minus strand). Cytogenetic location: 6p24.2.
Variant type: Microsatellite.
Coding change: c.359-5_359-3del on transcript NM_001242957.3 (MANE Select); 5 bases into the intron before coding-DNA position 359 through 3 bases into the intron before coding-DNA position 359, 3 bases deleted (TCA; older notation c.359-5_359-3delTCA).
Molecular consequence: intron variant.
Genome position (GRCh38, 1-based): chr6:10,808,945-10,808,947, TGA deleted on the plus strand (TCA on the coding strand, the reverse complement: MAK is on the minus strand); deleting any 3 consecutive bases within chr6:10,808,945-10,808,951 gives the same sequence; the c. name uses the placement nearest the transcript's 3' end. VCF-style (leftmost placement, unchanged base first): chr6-10808944-TTGA-T. GRCh37 (hg19) VCF-style: chr6-10809177-TTGA-T.
Other names: c.257-5_257-3del (NM_001377262.1); c.359-5_359-3del (NM_005906.6, NM_001242385.2); c.359-5_359-3delTCA (NM_001242957.2).
Identifiers: ClinVar variation 1095635 (VCV001095635.11), dbSNP rs746014214, ClinGen allele CA3633737.